The following is an entry in ClinVar:

NM_032866.5(CGNL1):c.2716-9C>A

Gene: CGNL1 (cingulin like 1; plus strand). Cytogenetic location: 15q21.3.
Variant type: single nucleotide variant.
Coding change: c.2716-9C>A on transcript NM_032866.5 (MANE Select); 9 bases into the intron before coding-DNA position 2716, C replaced by A.
Molecular consequence: intron variant.
Genome position (GRCh38, 1-based): chr15:57,523,480, C>A. VCF-style: chr15-57523480-C-A. GRCh37 (hg19) VCF-style: chr15-57815678-C-A.
Other names: c.2716-9C>A (NM_001252335.2).
Identifiers: ClinVar variation 3044010 (VCV003044010.2), dbSNP rs2551662043, ClinGen allele CA2575739187.

ClinVar aggregate classification (germline): Likely benign (0 of 4 stars; one submission).

Conditions:
CGNL1-related disorder. Also called: CGNL1-related condition.

Submission:

PreventionGenetics, part of Exact Sciences
Classification: Likely benign for CGNL1-related condition. Last evaluated: 2020-05-15. Review status: no assertion criteria provided. Collection method: clinical testing. Allele origin: germline.
Comment: This variant is classified as likely benign based on ACMG/AMP sequence variant interpretation guidelines (Richards et al. 2015 PMID: 25741868, with internal and published modifications).